The following is an entry in ClinVar:

ClinVar aggregate classification (germline): Uncertain significance (1 of 4 stars; one submission).

Conditions:
Episodic kinesigenic dyskinesia (EKD). Also called: Paroxysmal kinesigenic dyskinesia. Identifiers: Orphanet 98809, MedGen C1868682, MONDO:0044202.

Submission:

Labcorp Genetics (formerly Invitae), Labcorp
Classification: Uncertain significance for Episodic kinesigenic dyskinesia. Last evaluated: 2023-09-25. Review status: criteria provided, single submitter. Criteria: Invitae Variant Classification Sherloc (09022015). Collection method: clinical testing. Allele origin: germline.
Comment: In summary, the available evidence is currently insufficient to determine the role of this variant in disease. Therefore, it has been classified as a Variant of Uncertain Significance. Advanced modeling of protein sequence and biophysical properties (such as structural, functional, and spatial information, amino acid conservation, physicochemical variation, residue mobility, and thermodynamic stability) performed at Invitae indicates that this missense variant is not expected to disrupt PRRT2 protein function. This variant has not been reported in the literature in individuals affected with PRRT2-related conditions. This variant is not present in population databases (gnomAD no frequency). This sequence change replaces serine, which is neutral and polar, with threonine, which is neutral and polar, at codon 128 of the PRRT2 protein (p.Ser128Thr).

NM_145239.3(PRRT2):c.382T>A (p.Ser128Thr)

Genes: MVP-DT (MVP divergent transcript; minus strand), PRRT2 (proline rich transmembrane protein 2; plus strand). Cytogenetic location: 16p11.2.
Variant type: single nucleotide variant.
Coding change: c.382T>A on transcript NM_145239.3 (MANE Select); coding-DNA position 382, T replaced by A.
Protein change: p.Ser128Thr; replaces serine 128 with threonine.
Molecular consequence: missense variant.
Genome position (GRCh38, 1-based): chr16:29,813,436, T>A. VCF-style: chr16-29813436-T-A. GRCh37 (hg19) VCF-style: chr16-29824757-T-A.
Other names: c.382T>A, p.Ser128Thr (NM_001256442.2, NM_001256443.2); short protein forms S128T.
Identifiers: ClinVar variation 2768505 (VCV002768505.3), dbSNP rs1900080660, ClinGen allele CA395478452.